The following is an entry in ClinVar:

NM_004744.5(LRAT):c.224C>T (p.Pro75Leu)

Gene: LRAT (lecithin retinol acyltransferase; plus strand). Cytogenetic location: 4q32.1.
Variant type: single nucleotide variant.
Coding change: c.224C>T on transcript NM_004744.5 (MANE Select); coding-DNA position 224, C replaced by T.
Protein change: p.Pro75Leu; replaces proline 75 with leucine.
Molecular consequence: missense variant.
Genome position (GRCh38, 1-based): chr4:154,744,550, C>T. VCF-style: chr4-154744550-C-T. GRCh37 (hg19) VCF-style: chr4-155665702-C-T.
Other names: c.224C>T, p.Pro75Leu (NM_001301645.2); short protein forms P75L.
Identifiers: ClinVar variation 1172716 (VCV001172716.6), dbSNP rs766279892, ClinGen allele CA3115838.

ClinVar aggregate classification (germline): Conflicting classifications of pathogenicity. Review status: criteria provided, conflicting classifications (1 of 4 stars). 4 submissions from 4 submitters: Likely pathogenic (1); Uncertain significance (3). Last evaluated 2024-11-04.

Conditions:
Leber congenital amaurosis 14 (LCA14). Identifiers: MedGen C2750063, MONDO:0013231, OMIM 613341.

Allele frequency attached by ClinVar (database versions not stated): TOPMed below 0.00001; ExAC 0.00002; gnomAD exomes 0.00002 and 0.00003.

Submissions (4):

Women's Health and Genetics/Laboratory Corporation of America, LabCorp
Classification: Uncertain significance. Last evaluated: 2024-11-04. Review status: criteria provided, single submitter. Criteria: LabCorp Variant Classification Summary - May 2015. Collection method: clinical testing. Allele origin: germline.
Comment: Variant summary: LRAT c.224C>T (p.Pro75Leu) results in a non-conservative amino acid change located in the Lecithin retinol acyltransferase domain (IPR007053) of the encoded protein sequence. Four of five in-silico tools predict a damaging effect of the variant on protein function. The variant allele was found at a frequency of 2.8e-05 in 251330 control chromosomes. The available data on variant occurrences in the general population are insufficient to allow any conclusion about variant significance. c.224C>T has been reported in the literature in individuals affected with retinitis pigmentosa (Villanueva-Mendoza_2021). These data do not allow any conclusion about variant significance. To our knowledge, no experimental evidence demonstrating an impact on protein function has been reported. The following publication has been ascertained in the context of this evaluation (PMID: 34828430). ClinVar contains an entry for this variant (Variation ID: 1172716). Based on the evidence outlined above, the variant was classified as uncertain significance.

Labcorp Genetics (formerly Invitae), Labcorp
Classification: Uncertain significance. Last evaluated: 2022-08-07. Review status: criteria provided, single submitter. Criteria: Invitae Variant Classification Sherloc (09022015). Collection method: clinical testing. Allele origin: germline.
Comment: This sequence change replaces proline, which is neutral and non-polar, with leucine, which is neutral and non-polar, at codon 75 of the LRAT protein (p.Pro75Leu). This variant is present in population databases (rs766279892, gnomAD 0.02%). This variant has not been reported in the literature in individuals affected with LRAT-related conditions. ClinVar contains an entry for this variant (Variation ID: 1172716). Algorithms developed to predict the effect of missense changes on protein structure and function (SIFT, PolyPhen-2, Align-GVGD) all suggest that this variant is likely to be disruptive. In summary, the available evidence is currently insufficient to determine the role of this variant in disease. Therefore, it has been classified as a Variant of Uncertain Significance.

DBGen Ocular Genomics
Classification: Likely pathogenic for Leber congenital amaurosis 14. Last evaluated: 2021-05-25. Review status: criteria provided, single submitter. Criteria: ACMG Guidelines, 2015. Collection method: clinical testing. Allele origin: germline. Affected: yes. Observed: 1 variant allele.

Blueprint Genetics
Classification: Uncertain significance. Last evaluated: 2018-07-02. Review status: criteria provided, single submitter. Criteria: ACMG Guidelines, 2015. Collection method: clinical testing. Allele origin: germline.

Literature cited by the submitters: PubMed 34828430 (cited by Women's Health and Genetics/Laboratory Corporation of America, LabCorp).